The following is an entry in ClinVar:

ClinVar aggregate classification (germline): Benign (1 of 4 stars; one submission).

Conditions:
Von Hippel-Lindau syndrome (VHLS). Also called: Von Hippel-Lindau; VHL syndrome; von Hippel–Lindau syndrome. Identifiers: Orphanet 892, MedGen C0019562, MONDO:0008667, OMIM 193300. Disease mechanism: loss of function.

Allele frequency attached by ClinVar (database versions not stated): gnomAD below 0.00001 and 0.00052; TOPMed 0.00005; gnomAD exomes 0.00008; 1000 Genomes Project 0.00180; 1000 Genomes Project 30x 0.00219.

Submission:

Illumina Laboratory Services, Illumina
Classification: Benign for Von Hippel-Lindau syndrome. Last evaluated: 2018-01-13. Review status: criteria provided, single submitter. Criteria: ICSL Variant Classification Criteria 13 December 2019. Collection method: clinical testing. Allele origin: germline.
Comment: This variant was observed in the ICSL laboratory as part of a predisposition screen in an ostensibly healthy population. It had not been previously curated by ICSL or reported in the Human Gene Mutation Database (HGMD: prior to June 1st, 2018), and was therefore a candidate for classification through an automated scoring system. Utilizing variant allele frequency, disease prevalence and penetrance estimates, and inheritance mode, an automated score was calculated to assess if this variant is too frequent to cause the disease. Based on the score and internal cut-off values, a variant classified as benign is not then subjected to further curation. The score for this variant resulted in a classification of benign for this disease.

NM_000551.4(VHL):c.*1301G>A

Genes: VHL (von Hippel-Lindau tumor suppressor; plus strand), LOC107303340 (3p25 von Hippel-Lindau tumor suppressor, E3 ubiquitin protein ligase Alu-mediated recombination region; plus strand). Cytogenetic location: 3p25.3.
Variant type: single nucleotide variant.
Coding change: c.*1301G>A on transcript NM_000551.4 (MANE Select); 1301 bases downstream of the stop codon, G replaced by A.
Molecular consequence: 3 prime UTR variant.
Genome position (GRCh38, 1-based): chr3:10,151,266, G>A. VCF-style: chr3-10151266-G-A. GRCh37 (hg19) VCF-style: chr3-10192950-G-A.
Other names: c.*1497G>A (NM_001354723.2); c.*1301G>A (NM_198156.3).
Identifiers: ClinVar variation 902300 (VCV000902300.4), dbSNP rs541963428, ClinGen allele CA70053589.
Genomic context (GRCh38, chr3:10,151,266, plus strand): 5'-GACCAGGTGGCACTTCCACCTCCAGCCTCTGGTCCTACCAATGGATTCATGGAGTAGCCT[G>A]GACTGTTTCATAGTTTTCTAAATGTACAAATTCTTATAGGCTAGACTTAGATTCATTAAC-3'